The following is an entry in ClinVar:

ClinVar aggregate classification (germline): Uncertain significance. Review status: criteria provided, multiple submitters, no conflicts (2 of 4 stars). 3 submissions from 3 submitters: Uncertain significance (3). Last evaluated 2023-08-11.

Allele frequency attached by ClinVar (database versions not stated): gnomAD exomes 0.00001.
gnomAD v4.1: 6 of 1,206,079 alleles (0.0005%); highest among the groups gnomAD compares: South Asian, 0.0036%; no homozygotes.

Submissions (3):

Revvity Omics, Revvity
Classification: Uncertain significance. Last evaluated: 2023-08-11. Review status: criteria provided, single submitter. Criteria: ACMG Guidelines, 2015. Collection method: clinical testing. Allele origin: germline.

Labcorp Genetics (formerly Invitae), Labcorp
Classification: Uncertain significance. Last evaluated: 2023-02-02. Review status: criteria provided, single submitter. Criteria: Invitae Variant Classification Sherloc (09022015). Collection method: clinical testing. Allele origin: germline.
Comment: ClinVar contains an entry for this variant (Variation ID: 1303063). Advanced modeling of protein sequence and biophysical properties (such as structural, functional, and spatial information, amino acid conservation, physicochemical variation, residue mobility, and thermodynamic stability) has been performed at Invitae for this missense variant, however the output from this modeling did not meet the statistical confidence thresholds required to predict the impact of this variant on ALAS2 protein function. In summary, the available evidence is currently insufficient to determine the role of this variant in disease. Therefore, it has been classified as a Variant of Uncertain Significance. This sequence change replaces arginine, which is basic and polar, with histidine, which is basic and polar, at codon 560 of the ALAS2 protein (p.Arg560His). This variant is not present in population databases (gnomAD no frequency). This missense change has been observed in individual(s) with X-linked sideroblastic anemia (PMID: 12393718, 16446107).

GeneDx
Classification: Uncertain significance. Last evaluated: 2020-11-30. Review status: criteria provided, single submitter. Criteria: GeneDx Variant Classification Process June 2021. Collection method: clinical testing. Allele origin: germline. Affected: yes.
Comment: Observed hemizygous in two brothers in published literature; one sibling had sideroblastic anemia and the other was unaffected (Cazzola et al., 2002); In silico analysis supports that this missense variant does not alter protein structure/function; This variant is associated with the following publications: (PMID: 12393718, 12406866, 16446107)

Literature cited by the submitters: PubMed 12393718 (cited by Labcorp Genetics (formerly Invitae), Labcorp); PubMed 16446107 (cited by Labcorp Genetics (formerly Invitae), Labcorp).

NM_000032.5(ALAS2):c.1679G>A (p.Arg560His)

Gene: ALAS2 (5'-aminolevulinate synthase 2; minus strand). Cytogenetic location: Xp11.21.
Variant type: single nucleotide variant.
Coding change: c.1679G>A on transcript NM_000032.5 (MANE Select); coding-DNA position 1679, G replaced by A.
Protein change: p.Arg560His; replaces arginine 560 with histidine.
Molecular consequence: missense variant.
Genome position (GRCh38, 1-based): chrX:55,009,265, C>T on the plus strand (G>A on the coding strand, the complement: ALAS2 is on the minus strand). VCF-style: chrX-55009265-C-T. GRCh37 (hg19) VCF-style: chrX-55035698-C-T.
Other names: c.1568G>A, p.Arg523His (NM_001037967.4); c.1640G>A, p.Arg547His (NM_001037968.4); short protein forms R523H, R547H, R560H.
Identifiers: ClinVar variation 1303063 (VCV001303063.7), dbSNP rs892041887, ClinGen allele CA328967868.
Genomic context (GRCh38, chrX:55,009,265, plus strand): 5'-GGCCCCATGTTCCCGAAGTAGGAACGTTCCCACTCACTCATGAGCTCAAAGTGTACAGGA[C>T]GGCGACAGAAATTGCAGGCAGCCACAGACACATCCTGGAGGGGCAGCCCCACCGCAGTCC-3'
Protein context (NP_000023.2, residues 550-570): VSVAACNFCR[Arg560His]PVHFELMSEW